The following is an entry in ClinVar:

NM_017654.4(SAMD9):c.1720C>A (p.Leu574Met)

Gene: SAMD9 (sterile alpha motif domain containing 9; minus strand). Cytogenetic location: 7q21.2.
Variant type: single nucleotide variant.
Coding change: c.1720C>A on transcript NM_017654.4 (MANE Select); coding-DNA position 1720, C replaced by A.
Protein change: p.Leu574Met; replaces leucine 574 with methionine.
Molecular consequence: missense variant.
Genome position (GRCh38, 1-based): chr7:93,104,378, G>T on the plus strand (C>A on the coding strand, the complement: SAMD9 is on the minus strand). VCF-style: chr7-93104378-G-T. GRCh37 (hg19) VCF-style: chr7-92733691-G-T.
Other names: c.1720C>A (NM_017654.3); c.1720C>A, p.Leu574Met (NM_001193307.2); short protein forms L574M.
Identifiers: ClinVar variation 3688610 (VCV003688610.3).
Genomic context (GRCh38, chr7:93,104,378, plus strand): 5'-ATCTTGCTTCAAGTAGATCTTTCCATCCCTGAAATATGTGTGGGTGCACACAAATACACA[G>T]TATATTTTCCATTCCTTTGAGATCCTGGTAGAAAGCACAGAAAGTCTCAATGAGGGGATC-3'
Protein context (NP_060124.2, residues 564-584): YQDLKGMENI[Leu574Met]CICVHPHIFQ

ClinVar aggregate classification (germline): Uncertain significance. Review status: criteria provided, multiple submitters, no conflicts (2 of 4 stars). 2 submissions from 2 submitters: Uncertain significance (2). Last evaluated 2025-07-21.

Conditions:
Inborn genetic diseases. Identifiers: MedGen C0950123, MeSH D030342.

gnomAD v4.1: 5 of 1,613,860 alleles (0.00031%); highest among the groups gnomAD compares: Middle Eastern, 0.033%; no homozygotes.

Submissions (2):

Ambry Genetics
Classification: Uncertain significance for Inborn genetic diseases. Last evaluated: 2025-07-21. Review status: criteria provided, single submitter. Criteria: Ambry Variant Classification Scheme 2023. Collection method: clinical testing. Allele origin: germline.
Comment: The p.L574M variant (also known as c.1720C>A), located in coding exon 1 of the SAMD9 gene, results from a C to A substitution at nucleotide position 1720. The leucine at codon 574 is replaced by methionine, an amino acid with highly similar properties. This amino acid position is conserved. In addition, this alteration is predicted to be tolerated by in silico analysis. Based on the available evidence, the clinical significance of this variant remains unclear.

Labcorp Genetics (formerly Invitae), Labcorp
Classification: Uncertain significance. Last evaluated: 2024-11-11. Review status: criteria provided, single submitter. Criteria: Invitae Variant Classification Sherloc (09022015). Collection method: clinical testing. Allele origin: germline.
Comment: This sequence change replaces leucine, which is neutral and non-polar, with methionine, which is neutral and non-polar, at codon 574 of the SAMD9 protein (p.Leu574Met). This variant is present in population databases (rs781126245, gnomAD 0.003%). This variant has not been reported in the literature in individuals affected with SAMD9-related conditions. Invitae Evidence Modeling of protein sequence and biophysical properties (such as structural, functional, and spatial information, amino acid conservation, physicochemical variation, residue mobility, and thermodynamic stability) indicates that this missense variant is not expected to disrupt SAMD9 protein function with a negative predictive value of 95%. In summary, the available evidence is currently insufficient to determine the role of this variant in disease. Therefore, it has been classified as a Variant of Uncertain Significance.